The following is an entry in ClinVar:

ClinVar aggregate classification (germline): Uncertain significance (1 of 4 stars; one submission).

Allele frequency attached by ClinVar (database versions not stated): gnomAD 0.00001; gnomAD exomes 0.00001; TOPMed 0.00001.

Submission:

Labcorp Genetics (formerly Invitae), Labcorp
Classification: Uncertain significance. Last evaluated: 2022-08-09. Review status: criteria provided, single submitter. Criteria: Invitae Variant Classification Sherloc (09022015). Collection method: clinical testing. Allele origin: germline.
Comment: This sequence change creates a premature translational stop signal (p.Tyr312Leufs*2) in the MOCS3 gene. While this is not anticipated to result in nonsense mediated decay, it is expected to disrupt the last 149 amino acid(s) of the MOCS3 protein. This variant is present in population databases (no rsID available, gnomAD 0.0009%). This variant has not been reported in the literature in individuals affected with MOCS3-related conditions. In summary, the available evidence is currently insufficient to determine the role of this variant in disease. Therefore, it has been classified as a Variant of Uncertain Significance.

NM_014484.5(MOCS3):c.934dup (p.Tyr312fs)

Gene: MOCS3 (molybdenum cofactor synthesis 3; plus strand). Cytogenetic location: 20q13.13.
Variant type: Duplication.
Coding change: c.934dup on transcript NM_014484.5 (MANE Select); coding-DNA position 934, one base duplicated (T; older notation c.934dupT).
Protein change: p.Tyr312fs; shifts the reading frame from tyrosine 312.
Molecular consequence: frameshift variant.
Genome position (GRCh38, 1-based): chr20:50,959,776, T duplicated. VCF-style (leftmost placement, unchanged base first): chr20-50959775-C-CT. GRCh37 (hg19) VCF-style: chr20-49576312-C-CT.
Other names: short protein forms Y312fs.
Identifiers: ClinVar variation 2180344 (VCV002180344.4), dbSNP rs966493001, ClinGen allele CA315265095.
Genomic context (GRCh38, chr20:50,959,775, plus strand): 5'-GAGCCGCAGGCTCGACTGTGCAGCTTGCGGGGAACGGCCCACTGTGACTGATCTGCTGGA[C>CT]TATGAAGCCTTCTGTGGCTCCTCAGCCACTGATAAATGCCGCTCCCTGCAACTACTGAGC-3'